The following is an entry in ClinVar:

ClinVar aggregate classification (germline): Uncertain significance (1 of 4 stars; one submission).

Conditions:
Alpha thalassemia-X-linked intellectual disability syndrome (ATRX). Also called: ALPHA-THALASSEMIA/MENTAL RETARDATION SYNDROME, X-LINKED; ATR, NONDELETION TYPE; ATR-X syndrome; Alpha thalassemia mental retardation syndrome, nondeletion type, X-linked; XLMR hypotonic face syndrome; X-linked alpha-thalassemia-mental retardation syndrome. Identifiers: Orphanet 847, MedGen C1845055, MONDO:0010519, OMIM 301040.

Allele frequency attached by ClinVar (database versions not stated): gnomAD exomes below 0.00001.
gnomAD v4.1: 2 of 1,209,765 alleles (0.00017%); highest among the groups gnomAD compares: African/African-American, 0.0035%; no homozygotes.

Submission:

Labcorp Genetics (formerly Invitae), Labcorp
Classification: Uncertain significance for Alpha thalassemia-X-linked intellectual disability syndrome. Last evaluated: 2024-02-24. Review status: criteria provided, single submitter. Criteria: Invitae Variant Classification Sherloc (09022015). Collection method: clinical testing. Allele origin: germline.
Comment: This sequence change replaces glutamine, which is neutral and polar, with leucine, which is neutral and non-polar, at codon 2380 of the ATRX protein (p.Gln2380Leu). This variant is not present in population databases (gnomAD no frequency). This variant has not been reported in the literature in individuals affected with ATRX-related conditions. ClinVar contains an entry for this variant (Variation ID: 2066317). Advanced modeling of protein sequence and biophysical properties (such as structural, functional, and spatial information, amino acid conservation, physicochemical variation, residue mobility, and thermodynamic stability) performed at Invitae indicates that this missense variant is not expected to disrupt ATRX protein function with a negative predictive value of 95%. In summary, the available evidence is currently insufficient to determine the role of this variant in disease. Therefore, it has been classified as a Variant of Uncertain Significance.

NM_000489.6(ATRX):c.7139A>T (p.Gln2380Leu)

Gene: ATRX (ATRX chromatin remodeler; minus strand). Cytogenetic location: Xq21.1.
Variant type: single nucleotide variant.
Coding change: c.7139A>T on transcript NM_000489.6 (MANE Select); coding-DNA position 7139, A replaced by T.
Protein change: p.Gln2380Leu; replaces glutamine 2380 with leucine.
Molecular consequence: missense variant.
Genome position (GRCh38, 1-based): chrX:77,520,849, T>A on the plus strand (A>T on the coding strand, the complement: ATRX is on the minus strand). VCF-style: chrX-77520849-T-A. GRCh37 (hg19) VCF-style: chrX-76776327-T-A.
Other names: c.7025A>T, p.Gln2342Leu (NM_138270.5); short protein forms Q2380L, Q2342L.
Identifiers: ClinVar variation 2066317 (VCV002066317.4), dbSNP rs2520000549, ClinGen allele CA413707190.